The following is an entry in ClinVar:

NM_003566.4(EEA1):c.3216T>A (p.Asn1072Lys)

Gene: EEA1 (early endosome antigen 1; minus strand). Cytogenetic location: 12q22.
Variant type: single nucleotide variant.
Coding change: c.3216T>A on transcript NM_003566.4 (MANE Select); coding-DNA position 3216, T replaced by A.
Protein change: p.Asn1072Lys; replaces asparagine 1072 with lysine.
Molecular consequence: missense variant.
Genome position (GRCh38, 1-based): chr12:92,782,070, A>T on the plus strand (T>A on the coding strand, the complement: EEA1 is on the minus strand). VCF-style: chr12-92782070-A-T. GRCh37 (hg19) VCF-style: chr12-93175846-A-T.
Other names: short protein forms N1072K.
Identifiers: ClinVar variation 402817 (VCV000402817.5), dbSNP rs118081497, ClinGen allele CA6718446.

ClinVar aggregate classification (germline): Benign. Review status: criteria provided, multiple submitters, no conflicts (2 of 4 stars). 2 submissions from 2 submitters: Benign (2). Last evaluated 2016-03-28.

Allele frequency attached by ClinVar (database versions not stated): ESP Exome Variant Server 0.00062; gnomAD exomes 0.00248 and 0.01104; gnomAD 0.00332 and 0.00359; TOPMed 0.00682; ExAC 0.00900; 1000 Genomes Project 30x 0.00999; 1000 Genomes Project 0.01058.
gnomAD v4.1: 4,217 of 1,612,704 alleles (0.26%); highest among the groups gnomAD compares: Admixed American, 5.1%; 114 homozygotes.

Submissions (2):

Laboratory for Molecular Medicine, Mass General Brigham Personalized Medicine
Classification: Benign. Last evaluated: 2016-03-28. Review status: criteria provided, single submitter. Criteria: LMM Criteria. Collection method: clinical testing. Allele origin: germline.
Comment: Variant identified in a genome or exome case(s) and assessed due to predicted null impact of the variant or pathogenic assertions in the literature or databases. Disclaimer: This variant has not undergone full assessment. The following are preliminary notes: Frequency

Breakthrough Genomics
Classification: Benign. Review status: criteria provided, single submitter. Criteria: ACMG Guidelines, 2015. Collection method: not provided. Allele origin: germline. Inheritance: Unknown mechanism. Affected: yes.